The following is an entry in ClinVar:

ClinVar aggregate classification (germline): Conflicting classifications of pathogenicity. Review status: criteria provided, conflicting classifications (1 of 4 stars). 5 submissions from 5 submitters: Uncertain significance (1); Likely benign (4). Last evaluated 2026-05-26.

Conditions:
Autosomal recessive limb-girdle muscular dystrophy type 2J (LGMDR10). Also called: Limb-girdle muscular dystrophy, type 2J; MUSCULAR DYSTROPHY, LIMB-GIRDLE, AUTOSOMAL RECESSIVE 10. Identifiers: Orphanet 140922, MedGen C1837342, MONDO:0012127, OMIM 608807.
Dilated cardiomyopathy 1G (CMD1G). Identifiers: Orphanet 154, MedGen C1858763, MONDO:0011400, OMIM 604145.
TTN-related disorder. Also called: TTN-related condition; TTN-related disease; TTN-related disorders.
Cardiovascular phenotype. Identifiers: MedGen CN230736.

Allele frequency attached by ClinVar (database versions not stated): gnomAD 0.00001; TOPMed 0.00001; gnomAD exomes 0.00002.
gnomAD v4.1: 32 of 1,613,400 alleles (0.002%); highest among the groups gnomAD compares: Non-Finnish European, 0.0027%; no homozygotes.

Submissions (5):

PreventionGenetics, part of Exact Sciences
Classification: Likely benign for TTN-related condition. Last evaluated: 2026-05-26. Review status: criteria provided, single submitter. Criteria: ACMG Guidelines, 2015. Collection method: clinical testing. Allele origin: germline.
Comment: This variant is classified as likely benign based on ACMG/AMP sequence variant interpretation guidelines (Richards et al. 2015 PMID: 25741868, with internal and published modifications).

Labcorp Genetics (formerly Invitae), Labcorp
Classification: Likely benign for Dilated cardiomyopathy 1G; Autosomal recessive limb-girdle muscular dystrophy type 2J. Last evaluated: 2025-12-19. Review status: criteria provided, single submitter. Criteria: Invitae Variant Classification Sherloc (09022015). Collection method: clinical testing. Allele origin: germline.

GeneDx
Classification: Likely benign. Last evaluated: 2020-07-22. Review status: criteria provided, single submitter. Criteria: GeneDx Variant Classification Process June 2021. Collection method: clinical testing. Allele origin: germline. Affected: yes.

Ambry Genetics
Classification: Likely benign for Cardiovascular phenotype. Last evaluated: 2019-02-22. Review status: criteria provided, single submitter. Criteria: Ambry Variant Classification Scheme 2023. Collection method: clinical testing. Allele origin: germline.

Eurofins Ntd Llc (ga)
Classification: Uncertain significance. Last evaluated: 2017-05-04. Review status: criteria provided, single submitter. Criteria: EGL Classification Definitions 2015. Collection method: clinical testing. Allele origin: germline. Observed: 1 variant allele, 1 heterozygote.

NM_001267550.2(TTN):c.59502T>C (p.Asp19834=)

Genes: TTN-AS1 (TTN antisense RNA 1; plus strand), TTN (titin; minus strand), LOC126806424 (CDK7 strongly-dependent group 2 enhancer GRCh37_chr2:179456337-179457536; plus strand). Cytogenetic location: 2q31.2.
Variant type: single nucleotide variant.
Coding change: c.59502T>C on transcript NM_001267550.2 (MANE Select); coding-DNA position 59502, T replaced by C.
Protein change: p.Asp19834=; no amino-acid change (aspartic acid 19834 retained).
Molecular consequence: synonymous variant.
Genome position (GRCh38, 1-based): chr2:178,592,503, A>G on the plus strand (T>C on the coding strand, the complement: TTN is on the minus strand). VCF-style: chr2-178592503-A-G. GRCh37 (hg19) VCF-style: chr2-179457230-A-G.
Other names: c.54579T>C, p.Asp18193= (NM_001256850.1); c.32307T>C, p.Asp10769= (NM_003319.4); c.51798T>C, p.Asp17266= (NM_133378.4); c.32682T>C, p.Asp10894= (NM_133432.3); c.32883T>C, p.Asp10961= (NM_133437.4).
Identifiers: ClinVar variation 501746 (VCV000501746.18), dbSNP rs972823319, ClinGen allele CA60970715.